The following is an entry in ClinVar:

NM_001367561.1(DOCK7):c.4682_4683del (p.His1560_Cys1561insTer)

Gene: DOCK7 (dedicator of cytokinesis 7; minus strand). Cytogenetic location: 1p31.3.
Variant type: Deletion.
Coding change: c.4682_4683del on transcript NM_001367561.1 (MANE Select); coding-DNA positions 4682 to 4683, 2 bases deleted (GT; older notation c.4682_4683delGT).
Protein change: p.His1560_Cys1561insTer.
Molecular consequence: nonsense.
Genome position (GRCh38, 1-based): chr1:62,504,711-62,504,712, AC deleted on the plus strand (GT on the coding strand, the reverse complement: DOCK7 is on the minus strand); deleting any 2 consecutive bases within chr1:62,504,711-62,504,713 gives the same sequence; the c. name uses the placement nearest the transcript's 3' end. VCF-style (leftmost placement, unchanged base first): chr1-62504710-TAC-T. GRCh37 (hg19) VCF-style: chr1-62970381-TAC-T.
Other names: c.4655_4656del, p.His1551_Cys1552insTer (NM_001271999.2, NM_001330614.2); c.4562_4563del, p.His1520_Cys1521insTer (NM_001272000.2, NM_001272001.2); c.4589_4590del, p.His1529_Cys1530insTer (NM_033407.4).
Identifiers: ClinVar variation 1076823 (VCV001076823.9), dbSNP rs2149320961, ClinGen allele CA2499214837.

ClinVar aggregate classification (germline): Pathogenic (1 of 4 stars; one submission).

Conditions:
Developmental and epileptic encephalopathy, 23 (DEE23). Also called: Epileptic encephalopathy, early infantile, 23. Identifiers: Orphanet 411986, MedGen C4014492, MONDO:0014371, OMIM 615859.

Submission:

Labcorp Genetics (formerly Invitae), Labcorp
Classification: Pathogenic for Developmental and epileptic encephalopathy, 23. Last evaluated: 2021-03-05. Review status: criteria provided, single submitter. Criteria: Invitae Variant Classification Sherloc (09022015). Collection method: clinical testing. Allele origin: germline.
Comment: This sequence change creates a premature translational stop signal (p.Cys1552*) in the DOCK7 gene. It is expected to result in an absent or disrupted protein product. Loss-of-function variants in DOCK7 are known to be pathogenic (PMID: 24814191). This variant is not present in population databases (ExAC no frequency). This variant has not been reported in the literature in individuals with DOCK7-related conditions. For these reasons, this variant has been classified as Pathogenic.

Literature cited by the submitters: PubMed 24814191.